The following is an entry in ClinVar:

ClinVar aggregate classification (germline): Uncertain significance (1 of 4 stars; one submission).

Allele frequency attached by ClinVar (database versions not stated): gnomAD exomes below 0.00001.
gnomAD v4.1: 1 of 1,612,918 alleles (0.000062%); highest among the groups gnomAD compares: Non-Finnish European, 0.000085%; no homozygotes.

Submission:

Labcorp Genetics (formerly Invitae), Labcorp
Classification: Uncertain significance. Last evaluated: 2024-10-24. Review status: criteria provided, single submitter. Criteria: Invitae Variant Classification Sherloc (09022015). Collection method: clinical testing. Allele origin: germline.
Comment: This sequence change replaces isoleucine, which is neutral and non-polar, with valine, which is neutral and non-polar, at codon 342 of the CUL3 protein (p.Ile342Val). This variant is not present in population databases (gnomAD no frequency). This variant has not been reported in the literature in individuals affected with CUL3-related conditions. ClinVar contains an entry for this variant (Variation ID: 1904696). Invitae Evidence Modeling of protein sequence and biophysical properties (such as structural, functional, and spatial information, amino acid conservation, physicochemical variation, residue mobility, and thermodynamic stability) indicates that this missense variant is not expected to disrupt CUL3 protein function with a negative predictive value of 95%. In summary, the available evidence is currently insufficient to determine the role of this variant in disease. Therefore, it has been classified as a Variant of Uncertain Significance.

NM_003590.5(CUL3):c.1024A>G (p.Ile342Val)

Gene: CUL3 (cullin 3; minus strand). Cytogenetic location: 2q36.2.
Variant type: single nucleotide variant.
Coding change: c.1024A>G on transcript NM_003590.5 (MANE Select); coding-DNA position 1024, A replaced by G.
Protein change: p.Ile342Val; replaces isoleucine 342 with valine.
Molecular consequence: missense variant.
Genome position (GRCh38, 1-based): chr2:224,506,863, T>C on the plus strand (A>G on the coding strand, the complement: CUL3 is on the minus strand). VCF-style: chr2-224506863-T-C. GRCh37 (hg19) VCF-style: chr2-225371580-T-C.
Other names: c.826A>G, p.Ile276Val (NM_001257197.2); c.1042A>G, p.Ile348Val (NM_001257198.2); short protein forms I276V, I342V, I348V.
Identifiers: ClinVar variation 1904696 (VCV001904696.5), dbSNP rs1692622223, ClinGen allele CA350829094.